The following is an entry in ClinVar:

ClinVar aggregate classification (germline): Uncertain significance. Review status: criteria provided, multiple submitters, no conflicts (2 of 4 stars). 3 submissions from 3 submitters: Uncertain significance (3). Last evaluated 2023-04-11.

Conditions:
Pyridoxine-dependent epilepsy (EPEO4). Also called: Pyridoxine-Dependent Seizures; Pyridoxine-Dependent Epilepsy - ALDH7A1; PYRIDOXINE DEPENDENCY WITH SEIZURES; EPILEPSY, EARLY-ONSET, 4, VITAMIN B6-DEPENDENT. Identifiers: Orphanet 3006, MedGen C1849508, MONDO:0009945, OMIM 266100. Disease mechanism: loss of function.

Allele frequency attached by ClinVar (database versions not stated): gnomAD exomes below 0.00001 and 0.00001; ExAC 0.00001.
gnomAD v4.1: 8 of 1,614,164 alleles (0.0005%); highest among the groups gnomAD compares: South Asian, 0.0044%; no homozygotes.

Submissions (3):

Genome-Nilou Lab
Classification: Uncertain significance for Pyridoxine-dependent epilepsy. Last evaluated: 2023-04-11. Review status: criteria provided, single submitter. Criteria: ACMG Guidelines, 2015. Collection method: clinical testing. Allele origin: germline. Affected: no.

Labcorp Genetics (formerly Invitae), Labcorp
Classification: Uncertain significance for Pyridoxine-dependent epilepsy. Last evaluated: 2022-02-19. Review status: criteria provided, single submitter. Criteria: Invitae Variant Classification Sherloc (09022015). Collection method: clinical testing. Allele origin: germline.
Comment: This sequence change replaces isoleucine, which is neutral and non-polar, with threonine, which is neutral and polar, at codon 179 of the ALDH7A1 protein (p.Ile179Thr). The frequency data for this variant in the population databases is considered unreliable, as metrics indicate poor data quality at this position in the gnomAD database. This variant has not been reported in the literature in individuals affected with ALDH7A1-related conditions. ClinVar contains an entry for this variant (Variation ID: 204828). Advanced modeling of protein sequence and biophysical properties (such as structural, functional, and spatial information, amino acid conservation, physicochemical variation, residue mobility, and thermodynamic stability) performed at Invitae indicates that this missense variant is expected to disrupt ALDH7A1 protein function. In summary, the available evidence is currently insufficient to determine the role of this variant in disease. Therefore, it has been classified as a Variant of Uncertain Significance.

GeneDx
Classification: Uncertain significance. Last evaluated: 2018-02-09. Review status: criteria provided, single submitter. Criteria: GeneDx Variant Classification (06012015). Collection method: clinical testing. Allele origin: germline. Affected: yes.
Comment: p.Ile179Thr (ATT>ACT): c.536 T>C in exon 6 of the ALDH7A1 gene (NM_001182.3). The Ile179Thr missense change has not been published as a mutation, nor has it been reported as a benign polymorphism to our knowledge. The NHLBI ESP Exome Variant Project has not identified Ile179Thr in approximately 6,500 individuals of European or African American ethnicity, indicating that it is not a common benign variant in these populations. The amino acid substitution is non-consevative, as a non-polar Isoleucine residue is replaced by a polar Threonine residue. It alters a conserved position in the protein, and other missense mutations have been reported at nearby codons. Additionally, multiple in silico algorithms predict that Ile179Thr may be damaging to protein structure/function. Therefore, based on the currently available information, it is unclear whether Ile179Thr is a disease-causing mutation or a rare benign variant. The variant is found in EPILEPSY panel(s).

NM_001182.5(ALDH7A1):c.536T>C (p.Ile179Thr)

Gene: ALDH7A1 (aldehyde dehydrogenase 7 family member A1; minus strand). Cytogenetic location: 5q23.2.
Variant type: single nucleotide variant.
Coding change: c.536T>C on transcript NM_001182.5 (MANE Select); coding-DNA position 536, T replaced by C.
Protein change: p.Ile179Thr; replaces isoleucine 179 with threonine.
Molecular consequence: missense variant.
Genome position (GRCh38, 1-based): chr5:126,577,193, A>G on the plus strand (T>C on the coding strand, the complement: ALDH7A1 is on the minus strand). VCF-style: chr5-126577193-A-G. GRCh37 (hg19) VCF-style: chr5-125912885-A-G.
Other names: p.I179T:ATT>ACT; c.452T>C, p.Ile151Thr (NM_001201377.2); c.536T>C, p.Ile179Thr (NM_001202404.2); short protein forms I179T, I151T.
Identifiers: ClinVar variation 204828 (VCV000204828.7), dbSNP rs763217060, ClinGen allele CA313164.